The following is an entry in ClinVar:

NM_012062.5(DNM1L):c.511C>A (p.Leu171Ile)

Gene: DNM1L (dynamin 1L; plus strand). Cytogenetic location: 12p11.21.
Variant type: single nucleotide variant.
Coding change: c.511C>A on transcript NM_012062.5 (MANE Select); coding-DNA position 511, C replaced by A.
Protein change: p.Leu171Ile; replaces leucine 171 with isoleucine.
Molecular consequence: missense variant. On other transcripts: intron variant (1).
Genome position (GRCh38, 1-based): chr12:32,713,263, C>A. VCF-style: chr12-32713263-C-A. GRCh37 (hg19) VCF-style: chr12-32866197-C-A.
Other names: c.511C>A (NM_012062.3, NM_012062.4); c.511C>A, p.Leu171Ile (NM_001278463.2, NM_005690.5, NM_012063.4); c.550C>A, p.Leu184Ile (NM_001278464.2, NM_001278465.2, NM_001330380.2); c.131+5850C>A (NM_001278466.2); short protein forms L171I, L184I.
Identifiers: ClinVar variation 1408098 (VCV001408098.10), dbSNP rs759430253, ClinGen allele CA6507363.

ClinVar aggregate classification (germline): Uncertain significance. Review status: criteria provided, multiple submitters, no conflicts (2 of 4 stars). 4 submissions from 4 submitters: Uncertain significance (4). Last evaluated 2026-02-01.

Conditions:
Inborn genetic diseases. Identifiers: MedGen C0950123, MeSH D030342.
DNM1L-related disorder. Also called: DNM1L-related condition.

Allele frequency attached by ClinVar (database versions not stated): gnomAD exomes below 0.00001 and 0.00001; ExAC 0.00001; gnomAD 0.00002; TOPMed 0.00001.
gnomAD v4.1: 8 of 1,613,902 alleles (0.0005%); highest among the groups gnomAD compares: East Asian, 0.013%; no homozygotes.

Submissions (4):

Labcorp Genetics (formerly Invitae), Labcorp
Classification: Uncertain significance. Last evaluated: 2026-02-01. Review status: criteria provided, single submitter. Criteria: Invitae Variant Classification Sherloc (09022015). Collection method: clinical testing. Allele origin: germline.
Comment: This sequence change replaces leucine, which is neutral and non-polar, with isoleucine, which is neutral and non-polar, at codon 171 of the DNM1L protein (p.Leu171Ile). This variant is present in population databases (rs759430253, gnomAD 0.01%). This variant has not been reported in the literature in individuals affected with DNM1L-related conditions. ClinVar contains an entry for this variant (Variation ID: 1408098). An algorithm developed to predict the effect of missense changes on protein structure and function (PolyPhen-2) suggests that this variant is likely to be tolerated. In summary, the available evidence is currently insufficient to determine the role of this variant in disease. Therefore, it has been classified as a Variant of Uncertain Significance.

Ambry Genetics
Classification: Uncertain significance for Inborn genetic diseases. Last evaluated: 2025-12-04. Review status: criteria provided, single submitter. Criteria: Ambry Variant Classification Scheme 2023. Collection method: clinical testing. Allele origin: germline.

PreventionGenetics, part of Exact Sciences
Classification: Uncertain significance for DNM1L-related condition. Last evaluated: 2025-09-18. Review status: criteria provided, single submitter. Criteria: ACMG Guidelines, 2015. Collection method: clinical testing. Allele origin: germline.
Comment: The DNM1L c.511C>A variant is predicted to result in the amino acid substitution p.Leu171Ile. To our knowledge, this variant has not been reported in the literature. This variant is reported in 0.016% of alleles in individuals of East Asian descent in gnomAD. At this time, the clinical significance of this variant is uncertain due to the absence of conclusive functional and genetic evidence.

Revvity Omics, Revvity
Classification: Uncertain significance. Last evaluated: 2025-03-06. Review status: criteria provided, single submitter. Criteria: ACMG Guidelines, 2015. Collection method: clinical testing. Allele origin: germline.